The following is an entry in ClinVar:

ClinVar aggregate classification (germline): Uncertain significance (1 of 4 stars; one submission).

Conditions:
Facioscapulohumeral muscular dystrophy 2 (FSHD2). Also called: FACIOSCAPULOHUMERAL MUSCULAR DYSTROPHY 2, DIGENIC; FSHD2, DIGENIC; MUSCULAR DYSTROPHY, FACIOSCAPULOHUMERAL, TYPE 1B. Identifiers: Orphanet 269, MedGen C1834671, MONDO:0008031, OMIM 158901.

Submission:

Labcorp Genetics (formerly Invitae), Labcorp
Classification: Uncertain significance for Facioscapulohumeral muscular dystrophy 2. Last evaluated: 2022-11-01. Review status: criteria provided, single submitter. Criteria: Invitae Variant Classification Sherloc (09022015). Collection method: clinical testing. Allele origin: germline.
Comment: In summary, the available evidence is currently insufficient to determine the role of this variant in disease. Therefore, it has been classified as a Variant of Uncertain Significance. Advanced modeling of protein sequence and biophysical properties (such as structural, functional, and spatial information, amino acid conservation, physicochemical variation, residue mobility, and thermodynamic stability) performed at Invitae indicates that this missense variant is expected to disrupt SMCHD1 protein function. This variant has not been reported in the literature in individuals affected with SMCHD1-related conditions. This variant is not present in population databases (gnomAD no frequency). This sequence change replaces phenylalanine, which is neutral and non-polar, with leucine, which is neutral and non-polar, at codon 776 of the SMCHD1 protein (p.Phe776Leu).

NM_015295.3(SMCHD1):c.2328T>A (p.Phe776Leu)

Gene: SMCHD1 (structural maintenance of chromosomes flexible hinge domain containing 1; plus strand). Cytogenetic location: 18p11.32.
Variant type: single nucleotide variant.
Coding change: c.2328T>A on transcript NM_015295.3 (MANE Select); coding-DNA position 2328, T replaced by A.
Protein change: p.Phe776Leu; replaces phenylalanine 776 with leucine.
Molecular consequence: missense variant.
Genome position (GRCh38, 1-based): chr18:2,718,225, T>A. VCF-style: chr18-2718225-T-A. GRCh37 (hg19) VCF-style: chr18-2718223-T-A.
Other names: short protein forms F776L.
Identifiers: ClinVar variation 2987397 (VCV002987397.3), dbSNP rs2510061850, ClinGen allele CA401681075.